The following is an entry in ClinVar:

NM_177438.3(DICER1):c.2257-6C>T

Gene: DICER1 (dicer 1, ribonuclease III; minus strand). Cytogenetic location: 14q32.13.
Variant type: single nucleotide variant.
Coding change: c.2257-6C>T on transcript NM_177438.3 (MANE Select); 6 bases into the intron before coding-DNA position 2257, C replaced by T.
Molecular consequence: intron variant.
Genome position (GRCh38, 1-based): chr14:95,108,509, G>A on the plus strand (C>T on the coding strand, the complement: DICER1 is on the minus strand). VCF-style: chr14-95108509-G-A. GRCh37 (hg19) VCF-style: chr14-95574846-G-A.
Other names: c.2257-6C>T (NM_001291628.2, NM_030621.4, NM_177438.2 and 2 more transcripts).
Identifiers: ClinVar variation 1096626 (VCV001096626.12), dbSNP rs2140034098, ClinGen allele CA2499222815.

ClinVar aggregate classification (germline): Conflicting classifications of pathogenicity. Review status: criteria provided, conflicting classifications (1 of 4 stars). 3 submissions from 3 submitters: Uncertain significance (1); Likely benign (2). Last evaluated 2025-03-19.

Conditions:
DICER1-related tumor predisposition. Also called: DICER1-related pleuropulmonary blastoma cancer predisposition syndrome; DICER1 syndrome. Identifiers: Orphanet 284343, MedGen C3839822, MONDO:0100216.
Hereditary cancer-predisposing syndrome. Also called: Neoplastic Syndromes, Hereditary; Hereditary neoplastic syndrome; Hereditary Cancer Syndrome; Tumor predisposition. Identifiers: Orphanet 140162, MedGen C0027672, MeSH D009386, MONDO:0015356.

Submissions (3):

Quest Diagnostics Nichols Institute San Juan Capistrano
Classification: Uncertain significance. Last evaluated: 2025-03-19. Review status: criteria provided, single submitter. Criteria: Quest Diagnostics criteria. Collection method: clinical testing. Allele origin: unknown.
Comment: The DICER1 c.2257-6C>T variant has not been reported in individuals with DICER1-related conditions in the published literature. It also has not been reported in large, multi-ethnic general populations (Genome Aggregation Database). Analysis of this variant using software algorithms for the prediction of the effect of nucleotide changes on splicing yielded predictions that this variant does not affect DICER1 mRNA splicing. Based on the available information, we are unable to determine the clinical significance of this variant.

Hereditary Cancer Group, L’Institut d'Investigació Biomèdica de Bellvitge
Classification: Likely benign for Hereditary cancer-predisposing syndrome. Last evaluated: 2024-12-19. Review status: criteria provided, single submitter. Criteria: Hatton et al. (Hum Mutat. 2023). Collection method: clinical testing. Allele origin: germline. Inheritance: Autosomal dominant inheritance. Affected: yes.
Comment: PM2_supporting, BP4, BP7

Labcorp Genetics (formerly Invitae), Labcorp
Classification: Likely benign for DICER1-related tumor predisposition. Last evaluated: 2022-06-13. Review status: criteria provided, single submitter. Criteria: Invitae Variant Classification Sherloc (09022015). Collection method: clinical testing. Allele origin: germline.